The following is an entry in ClinVar:

ClinVar aggregate classification (germline): Uncertain significance (1 of 4 stars; one submission).

Conditions:
Cardiovascular phenotype. Identifiers: MedGen CN230736.

Allele frequency attached by ClinVar (database versions not stated): gnomAD exomes below 0.00001.
gnomAD v4.1: 3 of 1,613,884 alleles (0.00019%); highest among the groups gnomAD compares: Non-Finnish European, 0.00025%; no homozygotes.

Submission:

Ambry Genetics
Classification: Uncertain significance for Cardiovascular phenotype. Last evaluated: 2024-02-26. Review status: criteria provided, single submitter. Criteria: Ambry Variant Classification Scheme 2023. Collection method: clinical testing. Allele origin: germline.
Comment: The p.T318I variant (also known as c.953C>T), located in coding exon 9 of the ANKRD1 gene, results from a C to T substitution at nucleotide position 953. The threonine at codon 318 is replaced by isoleucine, an amino acid with similar properties. This amino acid position is conserved. In addition, this alteration is predicted to be tolerated by in silico analysis. Based on the available evidence, the clinical significance of this alteration remains unclear.

NM_014391.3(ANKRD1):c.953C>T (p.Thr318Ile)

Gene: ANKRD1 (ankyrin repeat domain 1; minus strand). Cytogenetic location: 10q23.31.
Variant type: single nucleotide variant.
Coding change: c.953C>T on transcript NM_014391.3 (MANE Select); coding-DNA position 953, C replaced by T.
Protein change: p.Thr318Ile; replaces threonine 318 with isoleucine.
Molecular consequence: missense variant.
Genome position (GRCh38, 1-based): chr10:90,912,873, G>A on the plus strand (C>T on the coding strand, the complement: ANKRD1 is on the minus strand). VCF-style: chr10-90912873-G-A. GRCh37 (hg19) VCF-style: chr10-92672630-G-A.
Other names: short protein forms T318I.
Identifiers: ClinVar variation 3226314 (VCV003226314.1), dbSNP rs2492951084, ClinGen allele CA377547464.